The following is an entry in ClinVar:

ClinVar aggregate classification (germline): Uncertain significance. Review status: criteria provided, multiple submitters, no conflicts (2 of 4 stars). 2 submissions from 2 submitters: Uncertain significance (2). Last evaluated 2025-06-02.

Conditions:
Polycystic liver disease 4 with or without kidney cysts. Identifiers: MedGen C4693479, MONDO:0044327, OMIM 617875.
Exudative vitreoretinopathy 4 (EVR4). Identifiers: Orphanet 891, MedGen C1866176, MONDO:0011151, OMIM 601813.
Worth disease. Also called: Autosomal dominant osteosclerosis, Worth type; ENDOSTEAL HYPEROSTOSIS, AUTOSOMAL DOMINANT; OSTEOSCLEROSIS, AUTOSOMAL DOMINANT. Identifiers: Orphanet 2790, MedGen C0432273, MONDO:0007764, OMIM 144750.
Bone mineral density quantitative trait locus 1 (BMND1). Identifiers: MedGen C1866079, OMIM 601884.
Autosomal dominant osteopetrosis 1 (OPTA1). Also called: OSTEOPETROSIS, AUTOSOMAL DOMINANT, TYPE I. Identifiers: Orphanet 2783, MedGen C1843330, MONDO:0011877, OMIM 607634.
Osteoporosis with pseudoglioma (OPPG). Also called: osteoporosis-pseudoglioma syndrome. Identifiers: Orphanet 2788, MedGen C0432252, MONDO:0009820, OMIM 259770.

gnomAD v4.1: 4 of 1,614,028 alleles (0.00025%); highest among the groups gnomAD compares: South Asian, 0.0033%; no homozygotes.

Submissions (2):

Labcorp Genetics (formerly Invitae), Labcorp
Classification: Uncertain significance. Last evaluated: 2025-06-02. Review status: criteria provided, single submitter. Criteria: Invitae Variant Classification Sherloc (09022015). Collection method: clinical testing. Allele origin: germline.
Comment: This sequence change replaces tyrosine, which is neutral and polar, with cysteine, which is neutral and slightly polar, at codon 992 of the LRP5 protein (p.Tyr992Cys). This variant is present in population databases (rs751139831, gnomAD 0.006%). This variant has not been reported in the literature in individuals affected with LRP5-related conditions. ClinVar contains an entry for this variant (Variation ID: 3600219). Invitae Evidence Modeling of protein sequence and biophysical properties (such as structural, functional, and spatial information, amino acid conservation, physicochemical variation, residue mobility, and thermodynamic stability) indicates that this missense variant is expected to disrupt LRP5 protein function with a positive predictive value of 95%. In summary, the available evidence is currently insufficient to determine the role of this variant in disease. Therefore, it has been classified as a Variant of Uncertain Significance.

Fulgent Genetics
Classification: Uncertain significance for Worth disease; Osteoporosis with pseudoglioma; Exudative vitreoretinopathy 4; Bone mineral density quantitative trait locus 1; Autosomal dominant osteopetrosis 1; Polycystic liver disease 4 with or without kidney cysts. Last evaluated: 2024-03-17. Review status: criteria provided, single submitter. Criteria: ACMG Guidelines, 2015. Collection method: clinical testing. Allele origin: germline.

NM_002335.4(LRP5):c.2975A>G (p.Tyr992Cys)

Gene: LRP5 (LDL receptor related protein 5; plus strand). Cytogenetic location: 11q13.2.
Variant type: single nucleotide variant.
Coding change: c.2975A>G on transcript NM_002335.4 (MANE Select); coding-DNA position 2975, A replaced by G.
Protein change: p.Tyr992Cys; replaces tyrosine 992 with cysteine.
Molecular consequence: missense variant.
Genome position (GRCh38, 1-based): chr11:68,416,475, A>G. VCF-style: chr11-68416475-A-G. GRCh37 (hg19) VCF-style: chr11-68183943-A-G.
Other names: c.1232A>G, p.Tyr411Cys (NM_001291902.2); short protein forms Y992C, Y411C.
Identifiers: ClinVar variation 3600219 (VCV003600219.3).